The following is an entry in ClinVar:

NM_001605.3(AARS1):c.2880G>T (p.Gln960His)

Gene: AARS1 (alanyl-tRNA synthetase 1; minus strand). Cytogenetic location: 16q22.1.
Variant type: single nucleotide variant.
Coding change: c.2880G>T on transcript NM_001605.3 (MANE Select); coding-DNA position 2880, G replaced by T.
Protein change: p.Gln960His; replaces glutamine 960 with histidine.
Molecular consequence: missense variant.
Genome position (GRCh38, 1-based): chr16:70,252,748, C>A on the plus strand (G>T on the coding strand, the complement: AARS1 is on the minus strand). VCF-style: chr16-70252748-C-A. GRCh37 (hg19) VCF-style: chr16-70286651-C-A.
Other names: short protein forms Q960H.
Identifiers: ClinVar variation 4776927 (VCV004776927.1).
Genomic context (GRCh38, chr16:70,252,748, plus strand): 5'-GATGGATCCAGTGGGAGCCTCCTCCTTCCCCACTCAGTTCTTTACATCCCCGAGGCGCAG[C>A]TGGGCGAAGGAAGTGGCCAGCTGCAGCGCCTCCTGCAGGCAGCCAACGTTCTTGCCTGTG-3'
Protein context (NP_001596.2, residues 950-968): EALQLATSFA[Gln960His]LRLGDVKN

ClinVar aggregate classification (germline): Uncertain significance (1 of 4 stars; one submission).

Conditions:
Charcot-Marie-Tooth disease type 2. Also called: Charcot-Marie-Tooth type 2. Identifiers: Orphanet 64746, MedGen C0270914, MONDO:0018993.

Submission:

Labcorp Genetics (formerly Invitae), Labcorp
Classification: Uncertain significance for Charcot-Marie-Tooth disease type 2. Last evaluated: 2025-06-11. Review status: criteria provided, single submitter. Criteria: Invitae Variant Classification Sherloc (09022015). Collection method: clinical testing. Allele origin: germline.
Comment: This sequence change replaces glutamine, which is neutral and polar, with histidine, which is basic and polar, at codon 960 of the AARS protein (p.Gln960His). This variant is not present in population databases (gnomAD no frequency). This variant has not been reported in the literature in individuals affected with AARS-related conditions. Invitae Evidence Modeling of protein sequence and biophysical properties (such as structural, functional, and spatial information, amino acid conservation, physicochemical variation, residue mobility, and thermodynamic stability) indicates that this missense variant is not expected to disrupt AARS protein function with a negative predictive value of 95%. In summary, the available evidence is currently insufficient to determine the role of this variant in disease. Therefore, it has been classified as a Variant of Uncertain Significance.